The following is an entry in ClinVar:

NM_000426.4(LAMA2):c.3435T>G (p.Cys1145Trp)

Gene: LAMA2 (laminin subunit alpha 2; plus strand). Cytogenetic location: 6q22.33.
Variant type: single nucleotide variant.
Coding change: c.3435T>G on transcript NM_000426.4 (MANE Select); coding-DNA position 3435, T replaced by G.
Protein change: p.Cys1145Trp; replaces cysteine 1145 with tryptophan.
Molecular consequence: missense variant.
Genome position (GRCh38, 1-based): chr6:129,314,678, T>G. VCF-style: chr6-129314678-T-G. GRCh37 (hg19) VCF-style: chr6-129635823-T-G.
Other names: c.3435T>G, p.Cys1145Trp (NM_001079823.2); short protein forms C1145W.
Identifiers: ClinVar variation 646172 (VCV000646172.9), dbSNP rs1583473979, ClinGen allele CA365612222.

ClinVar aggregate classification (germline): Uncertain significance (1 of 4 stars; one submission).

Conditions:
LAMA2-related muscular dystrophy (LAMA2-RD). Also called: Laminin alpha 2-related dystrophy. Identifiers: MedGen C5679788, MONDO:0100228.

Submission:

Labcorp Genetics (formerly Invitae), Labcorp
Classification: Uncertain significance for LAMA2-related muscular dystrophy. Last evaluated: 2018-07-24. Review status: criteria provided, single submitter. Criteria: Invitae Variant Classification Sherloc (09022015). Collection method: clinical testing. Allele origin: germline.
Comment: In summary, the available evidence is currently insufficient to determine the role of this variant in disease. Therefore, it has been classified as a Variant of Uncertain Significance. Algorithms developed to predict the effect of missense changes on protein structure and function are either unavailable or do not agree on the potential impact of this missense change (SIFT: "Deleterious"; PolyPhen-2: "Probably Damaging"; Align-GVGD: "Class C15"). This variant has not been reported in the literature in individuals with LAMA2-related disease. This variant is not present in population databases (ExAC no frequency). This sequence change replaces cysteine with tryptophan at codon 1145 of the LAMA2 protein (p.Cys1145Trp). The cysteine residue is highly conserved and there is a large physicochemical difference between cysteine and tryptophan.